The following is an entry in ClinVar:

NM_024301.5(FKRP):c.947C>T (p.Pro316Leu)

Gene: FKRP (fukutin related protein; plus strand). Cytogenetic location: 19q13.32.
Variant type: single nucleotide variant.
Coding change: c.947C>T on transcript NM_024301.5 (MANE Select); coding-DNA position 947, C replaced by T.
Protein change: p.Pro316Leu; replaces proline 316 with leucine.
Molecular consequence: missense variant.
Genome position (GRCh38, 1-based): chr19:46,756,397, C>T. VCF-style: chr19-46756397-C-T. GRCh37 (hg19) VCF-style: chr19-47259654-C-T.
Other names: c.947C>T, p.Pro316Leu (NM_001039885.3); short protein forms P316L.
Identifiers: ClinVar variation 5003449 (VCV005003449.1).

ClinVar aggregate classification (germline): Uncertain significance (1 of 4 stars; one submission).

Conditions:
Myopathy caused by variation in FKRP. Identifiers: MedGen CN305637, MONDO:0700066.

Submission:

Myriad Genetics, Inc.
Classification: Uncertain significance for Myopathy caused by variation in FKRP. Last evaluated: 2026-08-21. Review status: criteria provided, single submitter. Criteria: Myriad Autosomal Dominant, Autosomal Recessive and X-Linked Classification Criteria (2023). Collection method: clinical testing. Allele origin: unknown.
Comment: NM_024301.4(FKRP):c.947C>T(P316L) is a missense variant classified as a variant of uncertain significance in the context of FKRP-related disorders. P316L has been observed in a case with relevant disease (Article_Martinez-Esteban_2026). Relevant functional assessments of this variant are not available in the literature. P316L has not been observed in referenced population frequency databases. In summary, there is insufficient evidence to classify NM_024301.4(FKRP):c.947C>T(P316L) as pathogenic or benign. Please note: this variant was assessed in the context of healthy population screening.